The following is an entry in ClinVar:

NM_000203.5(IDUA):c.1551del (p.Leu518fs)

Gene: IDUA (alpha-L-iduronidase; plus strand). Cytogenetic location: 4p16.3.
Variant type: Deletion.
Coding change: c.1551del on transcript NM_000203.5 (MANE Select); coding-DNA position 1551, one base deleted (C; older notation c.1551delC).
Protein change: p.Leu518fs; shifts the reading frame from leucine 518.
Molecular consequence: frameshift variant. On other transcripts: non-coding transcript variant (1).
Genome position (GRCh38, 1-based): chr4:1,003,371, C deleted; the last of 4 consecutive C bases (chr4:1,003,368-1,003,371); deleting any one gives the same sequence. VCF-style (leftmost placement, unchanged base first): chr4-1003367-GC-G. GRCh37 (hg19) VCF-style: chr4-997155-GC-G.
Other names: c.1155del, p.Leu386fs (NM_001363576.1); short protein forms L386fs, L518fs.
Identifiers: ClinVar variation 1724446 (VCV001724446.2), dbSNP rs2534097292, ClinGen allele CA2580070689.

ClinVar aggregate classification (germline): Likely pathogenic (1 of 4 stars; one submission).

Conditions:
Mucopolysaccharidosis, MPS-I-H/S. Also called: Mucopolysaccharidosis type IH/S. Identifiers: Orphanet 93476, MedGen C0086431, MONDO:0011759, OMIM 607015.

Submission:

Myriad Genetics, Inc.
Classification: Likely pathogenic for Mucopolysaccharidosis, MPS-I-H/S. Last evaluated: 2022-02-17. Review status: criteria provided, single submitter. Criteria: Myriad Women's Health Autosomal Recessive and X-Linked Classification Criteria (2021). Collection method: clinical testing. Allele origin: unknown.
Comment: NM_000203.3(IDUA):c.1551delC(L518Yfs*7) is expected to be pathogenic in the context of mucopolysaccharidosis type I. This variant is predicted to lead to an abnormal or absent protein product due to the creation of a premature termination codon in IDUA, a gene where loss-of-function variants are known to be pathogenic. Please note: this variant was assessed in the context of healthy population screening.